The following is an entry in ClinVar:

ClinVar aggregate classification (germline): Likely benign. Review status: criteria provided, single submitter (1 of 4 stars). 2 submissions from 2 submitters: Likely benign (1). 1 of the submissions does not count toward it. Last evaluated 2025-12-02.

Conditions:
ENPP1-related disorder. Also called: ENPP1-related disorders; ENPP1-related condition.

Allele frequency attached by ClinVar (database versions not stated): gnomAD 0.00001.
gnomAD v4.1: 62 of 1,613,970 alleles (0.0038%); highest among the groups gnomAD compares: Non-Finnish European, 0.0052%; no homozygotes.

Submissions (2):

Labcorp Genetics (formerly Invitae), Labcorp
Classification: Likely benign. Last evaluated: 2025-12-02. Review status: criteria provided, single submitter. Criteria: Invitae Variant Classification Sherloc (09022015). Collection method: clinical testing. Allele origin: germline.

PreventionGenetics, part of Exact Sciences
Classification: Likely benign for ENPP1-related condition. Last evaluated: 2021-02-16. Review status: no assertion criteria provided. Collection method: clinical testing. Allele origin: germline. Not counted in ClinVar's aggregate classification.
Comment: This variant is classified as likely benign based on ACMG/AMP sequence variant interpretation guidelines (Richards et al. 2015 PMID: 25741868, with internal and published modifications).

NM_006208.3(ENPP1):c.556+8G>T

Gene: ENPP1 (ectonucleotide pyrophosphatase/phosphodiesterase 1; plus strand). Cytogenetic location: 6q23.2.
Variant type: single nucleotide variant.
Coding change: c.556+8G>T on transcript NM_006208.3 (MANE Select); 8 bases into the intron after coding-DNA position 556, G replaced by T.
Molecular consequence: intron variant.
Genome position (GRCh38, 1-based): chr6:131,851,275, G>T. VCF-style: chr6-131851275-G-T. GRCh37 (hg19) VCF-style: chr6-132172415-G-T.
Identifiers: ClinVar variation 708715 (VCV000708715.7), dbSNP rs746150115, ClinGen allele CA4001928.